The following is an entry in ClinVar:

NM_000540.3(RYR1):c.8904C>A (p.Asp2968Glu)

Gene: RYR1 (ryanodine receptor 1; plus strand). Cytogenetic location: 19q13.2.
Variant type: single nucleotide variant.
Coding change: c.8904C>A on transcript NM_000540.3 (MANE Select); coding-DNA position 8904, C replaced by A.
Protein change: p.Asp2968Glu; replaces aspartic acid 2968 with glutamic acid.
Molecular consequence: missense variant.
Genome position (GRCh38, 1-based): chr19:38,507,799, C>A. VCF-style: chr19-38507799-C-A. GRCh37 (hg19) VCF-style: chr19-38998439-C-A.
Other names: c.8904C>A, p.Asp2968Glu (NM_001042723.2); c.8904C>A (NM_000540.2); short protein forms D2968E.
Identifiers: ClinVar variation 1059287 (VCV001059287.13), dbSNP rs759530203, ClinGen allele CA072885.

ClinVar aggregate classification (germline): Uncertain significance. Review status: criteria provided, multiple submitters, no conflicts (2 of 4 stars). 8 submissions from 8 submitters: Uncertain significance (8). Last evaluated 2025-02-19.

Conditions:
RYR1-related disorder. Also called: RYR1-related condition; RYR1-related disorders. Identifiers: MedGen CN239331.
Congenital multicore myopathy with external ophthalmoplegia (CMYO1B). Also called: MULTICORE MYOPATHY; Congenital myopathy 1B, autosomal recessive; Minicore myopathy; Minicore myopathy with external ophthalmoplegia; MULTIMINICORE DISEASE WITH EXTERNAL OPHTHALMOPLEGIA. Identifiers: Orphanet 598, Orphanet 98905, MedGen C1850674, MONDO:0009712, OMIM 255320, HP:0003789.
Congenital myopathy with fiber type disproportion. Also called: Congenital fiber-type disproportion; Congenital fiber-type disproportion myopathy. Identifiers: Orphanet 2020, MedGen C0546264, MONDO:0009711. Inheritance: all.
Central core myopathy (CMYO1A). Also called: CONGENITAL MYOPATHY 1A, AUTOSOMAL DOMINANT, WITH SUSCEPTIBILITY TO MALIGNANT HYPERTHERMIA; Central core disease; Myopathy, central fibrillar. Identifiers: Orphanet 597, MedGen C5830701, MONDO:0007294, OMIM 117000.
Malignant hyperthermia, susceptibility to, 1 (MHS1). Also called: Anesthesia related hyperthermia; Malignant hyperpyrexia; Fulminating hyperpyrexia; Pharmacogenic myopathy; RYR1-Related Malignant Hyperthermia Susceptibility; Malignant hyperthermia suceptibility 1. Identifiers: Orphanet 423, MedGen C2930980, MONDO:0007783, OMIM 145600.
King Denborough syndrome (KDS). Identifiers: MedGen C1840365, MONDO:0020485, OMIM 619542.

Allele frequency attached by ClinVar (database versions not stated): gnomAD exomes 0.00002 and 0.00011; TOPMed 0.00005; ExAC 0.00002; gnomAD 0.00007.
gnomAD v4.1: 170 of 1,613,304 alleles (0.011%); highest among the groups gnomAD compares: Non-Finnish European, 0.014%; no homozygotes.

Submissions (8):

Color Diagnostics, LLC DBA Color Health
Classification: Uncertain significance for Malignant hyperthermia, susceptibility to, 1. Last evaluated: 2025-02-19. Review status: criteria provided, single submitter. Criteria: ACMG Guidelines, 2015. Collection method: clinical testing. Allele origin: germline.
Comment: This missense variant replaces aspartic acid with glutamic acid at codon 2968 of the RYR1 protein. Computational prediction suggests that this variant may not impact protein structure and function. To our knowledge, functional studies have not been reported for this variant. This variant has not been reported in individuals affected with RYR1-related disorders in the literature. This variant has been identified in 7/282854 chromosomes in the general population by the Genome Aggregation Database (gnomAD). The available evidence is insufficient to determine the role of this variant in disease conclusively. Therefore, this variant is classified as a Variant of Uncertain Significance.

Labcorp Genetics (formerly Invitae), Labcorp
Classification: Uncertain significance for RYR1-related disorder. Last evaluated: 2024-12-29. Review status: criteria provided, single submitter. Criteria: Invitae Variant Classification Sherloc (09022015). Collection method: clinical testing. Allele origin: germline.
Comment: This sequence change replaces aspartic acid, which is acidic and polar, with glutamic acid, which is acidic and polar, at codon 2968 of the RYR1 protein (p.Asp2968Glu). This variant is present in population databases (rs759530203, gnomAD 0.005%). This variant has not been reported in the literature in individuals affected with RYR1-related conditions. ClinVar contains an entry for this variant (Variation ID: 1059287). Invitae Evidence Modeling of protein sequence and biophysical properties (such as structural, functional, and spatial information, amino acid conservation, physicochemical variation, residue mobility, and thermodynamic stability) indicates that this missense variant is not expected to disrupt RYR1 protein function with a negative predictive value of 80%. In summary, the available evidence is currently insufficient to determine the role of this variant in disease. Therefore, it has been classified as a Variant of Uncertain Significance.

Revvity Omics, Revvity
Classification: Uncertain significance. Last evaluated: 2024-10-01. Review status: criteria provided, single submitter. Criteria: ACMG Guidelines, 2015. Collection method: clinical testing. Allele origin: germline.

All of Us Research Program, National Institutes of Health
Classification: Uncertain significance for Malignant hyperthermia, susceptibility to, 1. Last evaluated: 2024-09-23. Review status: criteria provided, single submitter. Criteria: ACMG Guidelines, 2015. Collection method: clinical testing. Allele origin: germline. Inheritance: Autosomal dominant inheritance. Observed: 24 variant alleles, 24 heterozygotes.
Comment: This missense variant replaces aspartic acid with glutamic acid at codon 2968 of the RYR1 protein. Computational prediction suggests that this variant may not impact protein structure and function (internally defined REVEL score threshold <= 0.5, PMID: 27666373). To our knowledge, functional studies have not been reported for this variant. This variant has not been reported in individuals affected with RYR1-related disorders in the literature. This variant has been identified in 7/282854 chromosomes in the general population by the Genome Aggregation Database (gnomAD). The available evidence is insufficient to determine the role of this variant in disease conclusively. Therefore, this variant is classified as a Variant of Uncertain Significance.

This study involves interpretation of variants in research participants for the purpose of population health screening. Participant phenotype was not available at the time of variant classification. Additional details can be found in publication PMID: 35346344, PMCID: PMC8962531

Women's Health and Genetics/Laboratory Corporation of America, LabCorp
Classification: Uncertain significance. Last evaluated: 2024-07-30. Review status: criteria provided, single submitter. Criteria: LabCorp Variant Classification Summary - May 2015. Collection method: clinical testing. Allele origin: germline.
Comment: Variant summary: RYR1 c.8904C>A (p.Asp2968Glu) results in a conservative amino acid change in the encoded protein sequence. Three of five in-silico tools predict a benign effect of the variant on protein function. The variant allele was found at a frequency of 2e-05 in 251492 control chromosomes. The available data on variant occurrences in the general population are insufficient to allow any conclusion about variant significance. To our knowledge, no occurrence of c.8904C>A in individuals affected with Myopathy, RYR1-Associated and no experimental evidence demonstrating its impact on protein function have been reported. ClinVar contains an entry for this variant (Variation ID: 1059287). Based on the evidence outlined above, the variant was classified as uncertain significance.

Athena Diagnostics
Classification: Uncertain significance. Last evaluated: 2024-03-29. Review status: criteria provided, single submitter. Criteria: Athena Diagnostics Criteria. Collection method: clinical testing. Allele origin: unknown.
Comment: Available data are insufficient to determine the clinical significance of the variant at this time. The frequency of this variant in the general population is uninformative in assessment of its pathogenicity. Computational tools disagree on the variant's effect on normal protein function.

Blueprint Genetics
Classification: Uncertain significance. Last evaluated: 2024-03-13. Review status: criteria provided, single submitter. Criteria: ACMG Guidelines, 2015. Collection method: clinical testing. Allele origin: germline.

Fulgent Genetics
Classification: Uncertain significance for Central core myopathy; Malignant hyperthermia, susceptibility to, 1; Congenital myopathy 4A, autosomal dominant; Congenital multicore myopathy with external ophthalmoplegia; King Denborough syndrome. Last evaluated: 2021-08-05. Review status: criteria provided, single submitter. Criteria: ACMG Guidelines, 2015. Collection method: clinical testing. Allele origin: unknown.

Literature cited by the submitters: PubMed 30122538 (cited by Athena Diagnostics); PubMed 34707284 (cited by Athena Diagnostics).